The following is an entry in ClinVar:

ClinVar aggregate classification (germline): Uncertain significance (1 of 4 stars; one submission).

Conditions:
Fanconi anemia (FA). Also called: Fanconi's anemia. Identifiers: Orphanet 84, MedGen C0015625, MeSH D005199, MONDO:0019391.

Submission:

Labcorp Genetics (formerly Invitae), Labcorp
Classification: Uncertain significance for Fanconi anemia. Last evaluated: 2020-04-01. Review status: criteria provided, single submitter. Criteria: Invitae Variant Classification Sherloc (09022015). Collection method: clinical testing. Allele origin: germline.
Comment: This variant is not present in population databases (ExAC no frequency). This sequence change replaces valine with isoleucine at codon 620 of the FANCB protein (p.Val620Ile). The valine residue is weakly conserved and there is a small physicochemical difference between valine and isoleucine. Algorithms developed to predict the effect of missense changes on protein structure and function output the following: SIFT: "Tolerated"; PolyPhen-2: "Benign"; Align-GVGD: "Class C0". The isoleucine amino acid residue is found in multiple mammalian species, suggesting that this missense change does not adversely affect protein function. These predictions have not been confirmed by published functional studies and their clinical significance is uncertain. This variant has not been reported in the literature in individuals with FANCB-related conditions. In summary, the available evidence is currently insufficient to determine the role of this variant in disease. Therefore, it has been classified as a Variant of Uncertain Significance.

NM_001018113.3(FANCB):c.1858G>A (p.Val620Ile)

Gene: FANCB (FA complementation group B; minus strand). Cytogenetic location: Xp22.2.
Variant type: single nucleotide variant.
Coding change: c.1858G>A on transcript NM_001018113.3 (MANE Select); coding-DNA position 1858, G replaced by A.
Protein change: p.Val620Ile; replaces valine 620 with isoleucine.
Molecular consequence: missense variant.
Genome position (GRCh38, 1-based): chrX:14,844,925, C>T on the plus strand (G>A on the coding strand, the complement: FANCB is on the minus strand). VCF-style: chrX-14844925-C-T. GRCh37 (hg19) VCF-style: chrX-14863047-C-T.
Other names: c.1858G>A, p.Val620Ile (NM_001324162.2, NM_152633.4); short protein forms V620I.
Identifiers: ClinVar variation 1012018 (VCV001012018.8), dbSNP rs2092369531, ClinGen allele CA412439471.
Genomic context (GRCh38, chrX:14,844,925, plus strand): 5'-TCTTCTTTGGAAATGTCAGTAGGTACTTCCCAGTTGAAAGATCTTCTAGACTTAAAAAAA[C>T]TCTGCCACACACAACATAACGATCTTTAGGACAGTTACCACTTTCTCTCTCCATAATTTG-3'
Protein context (NP_001018123.1, residues 610-630): PKDRYVVCGR[Val620Ile]FLSLEDLSTG